The following is an entry in ClinVar:

ClinVar aggregate classification (germline): Uncertain significance (1 of 4 stars; one submission).

Conditions:
Kabuki syndrome. Also called: Kabuki make-up syndrome; NIIKAWA-KUROKI SYNDROME. Identifiers: Orphanet 2322, MedGen C0796004, MONDO:0016512.

Submission:

Labcorp Genetics (formerly Invitae), Labcorp
Classification: Uncertain significance for Kabuki syndrome. Last evaluated: 2022-08-09. Review status: criteria provided, single submitter. Criteria: Invitae Variant Classification Sherloc (09022015). Collection method: clinical testing. Allele origin: germline.
Comment: In summary, the available evidence is currently insufficient to determine the role of this variant in disease. Therefore, it has been classified as a Variant of Uncertain Significance. This sequence change replaces glycine, which is neutral and non-polar, with cysteine, which is neutral and slightly polar, at codon 1933 of the KMT2D protein (p.Gly1933Cys). This variant is not present in population databases (gnomAD no frequency). This variant has not been reported in the literature in individuals affected with KMT2D-related conditions. ClinVar contains an entry for this variant (Variation ID: 1394982). Advanced modeling of protein sequence and biophysical properties (such as structural, functional, and spatial information, amino acid conservation, physicochemical variation, residue mobility, and thermodynamic stability) performed at Invitae indicates that this missense variant is not expected to disrupt KMT2D protein function.

NM_003482.4(KMT2D):c.5797G>T (p.Gly1933Cys)

Gene: KMT2D (lysine methyltransferase 2D; minus strand). Cytogenetic location: 12q13.12.
Variant type: single nucleotide variant.
Coding change: c.5797G>T on transcript NM_003482.4 (MANE Select); coding-DNA position 5797, G replaced by T.
Protein change: p.Gly1933Cys; replaces glycine 1933 with cysteine.
Molecular consequence: missense variant.
Genome position (GRCh38, 1-based): chr12:49,042,631, C>A on the plus strand (G>T on the coding strand, the complement: KMT2D is on the minus strand). VCF-style: chr12-49042631-C-A. GRCh37 (hg19) VCF-style: chr12-49436414-C-A.
Other names: short protein forms G1933C.
Identifiers: ClinVar variation 1394982 (VCV001394982.6), dbSNP rs1309156750, ClinGen allele CA384628423.